The following is an entry in ClinVar:

NM_001854.4(COL11A1):c.3184C>G (p.Arg1062Gly)

Gene: COL11A1 (collagen type XI alpha 1 chain; minus strand). Cytogenetic location: 1p21.1.
Variant type: single nucleotide variant.
Coding change: c.3184C>G on transcript NM_001854.4 (MANE Select); coding-DNA position 3184, C replaced by G.
Protein change: p.Arg1062Gly; replaces arginine 1062 with glycine.
Molecular consequence: missense variant. On other transcripts: non-coding transcript variant (1).
Genome position (GRCh38, 1-based): chr1:102,946,941, G>C on the plus strand (C>G on the coding strand, the complement: COL11A1 is on the minus strand). VCF-style: chr1-102946941-G-C. GRCh37 (hg19) VCF-style: chr1-103412497-G-C.
Other names: c.3067C>G, p.Arg1023Gly (NM_001190709.2); c.3220C>G, p.Arg1074Gly (NM_080629.3); c.2836C>G, p.Arg946Gly (NM_080630.4); short protein forms R1023G, R1062G, R1074G, R946G.
Identifiers: ClinVar variation 4881831 (VCV004881831.2).
Genomic context (GRCh38, chr1:102,946,941, plus strand): 5'-GACCCTGAGGTCCCGGGCGCCCTGGTAAACCAATTGGGCCAGCTGTACCTGCTGACCCAC[G>C]TTCTCCTGGTGAGCCCTAGTATACAGGAAAAGAAGTATTTTGTTATTAAAGAAAGTAATA-3'
Protein context (NP_001845.3, residues 1052-1072): PPGPVGSPGE[Arg1062Gly]GSAGTAGPIG

ClinVar aggregate classification (germline): Uncertain significance (1 of 4 stars; one submission).

gnomAD v4.1: 2 of 1,612,370 alleles (0.00012%); highest among the groups gnomAD compares: Middle Eastern, 0.017%; no homozygotes.

Submission:

Dasa
Classification: Uncertain significance. Last evaluated: 2026-03-20. Review status: criteria provided, single submitter. Criteria: DASA Assertion Criteria. Collection method: clinical testing. Allele origin: germline.
Comment: NM_001854.4(COL11A1):c.3184C>G (p.Arg1062Gly) is a missense variant that results in the substitution of arginine with glycine. This variant is rare in population databases. Computational prediction algorithms are consistent with a deleterious effect. The currently available literature and clinical evidence are not sufficient to establish a definitive association between this variant and the reported condition. Therefore, this variant is classified as a variant of uncertain significance.